The following is an entry in ClinVar:

NM_001166108.2(PALLD):c.2225T>C (p.Val742Ala)

Genes: CBR4 (carbonyl reductase 4; minus strand), PALLD (palladin, cytoskeletal associated protein; plus strand). Cytogenetic location: 4q32.3.
Variant type: single nucleotide variant.
Coding change: c.2225T>C on transcript NM_001166108.2 (MANE Select); coding-DNA position 2225, T replaced by C.
Protein change: p.Val742Ala; replaces valine 742 with alanine.
Molecular consequence: missense variant. On other transcripts: intron variant (5).
Genome position (GRCh38, 1-based): chr4:168,896,574, T>C. VCF-style: chr4-168896574-T-C. GRCh37 (hg19) VCF-style: chr4-169817725-T-C.
Other names: c.104T>C, p.Val35Ala (NM_001367568.1, NM_001367570.1); c.2199+1897T>C (NM_016081.4); c.1053+1897T>C (NM_001166109.2); c.738+1897T>C (NM_001166110.2); c.78+1897T>C (NM_001367567.1, NM_001367569.1); short protein forms V35A, V742A.
Identifiers: ClinVar variation 2370673 (VCV002370673.4), dbSNP rs756024689, ClinGen allele CA3135845.

ClinVar aggregate classification (germline): Uncertain significance. Review status: criteria provided, single submitter (1 of 4 stars). 2 submissions from 2 submitters: Uncertain significance (1). 1 of the submissions does not count toward it. Last evaluated 2021-08-09.

Conditions:
PALLD-related disorder. Also called: PALLD-related condition.

Allele frequency attached by ClinVar (database versions not stated): ExAC 0.00006; gnomAD 0.00024; TOPMed 0.00027.
gnomAD v4.1: 75 of 1,517,018 alleles (0.0049%); highest among the groups gnomAD compares: African/African-American, 0.09%; no homozygotes.

Submissions (2):

Ambry Genetics
Classification: Uncertain significance. Last evaluated: 2021-08-09. Review status: criteria provided, single submitter. Criteria: Ambry Variant Classification Scheme 2023. Collection method: clinical testing. Allele origin: germline.

PreventionGenetics, part of Exact Sciences
Classification: Likely benign for PALLD-related condition. Last evaluated: 2022-02-15. Review status: no assertion criteria provided. Collection method: clinical testing. Allele origin: germline. Not counted in ClinVar's aggregate classification.
Comment: This variant is classified as likely benign based on ACMG/AMP sequence variant interpretation guidelines (Richards et al. 2015 PMID: 25741868, with internal and published modifications).